The following is an entry in ClinVar:

ClinVar aggregate classification (germline): Uncertain significance (1 of 4 stars; one submission).

Submission:

Labcorp Genetics (formerly Invitae), Labcorp
Classification: Uncertain significance. Last evaluated: 2022-05-06. Review status: criteria provided, single submitter. Criteria: Invitae Variant Classification Sherloc (09022015). Collection method: clinical testing. Allele origin: germline.
Comment: A gross deletion of the genomic region encompassing the full coding sequence of the TRMT5 gene has been identified. The current clinical and genetic evidence is not sufficient to establish whether loss-of-function variants in TRMT5 cause disease. The boundaries of this event are unknown as they extend beyond the assayed region for this gene and therefore may encompass additional genes. This variant has not been reported in the literature in individuals affected with TRMT5-related conditions. In summary, the available evidence is currently insufficient to determine the role of this variant in disease. Therefore, it has been classified as a Variant of Uncertain Significance.

NC_000014.8:g.(?_61441827)_(61447691_?)del

Gene: TRMT5 (tRNA methyltransferase 5; minus strand). Cytogenetic location: 14q23.1.
Variant type: Deletion.
Identifiers: ClinVar variation 2426617 (VCV002426617.2).